The following is an entry in ClinVar:

NM_000179.3(MSH6):c.2082C>T (p.Cys694=)

Gene: MSH6 (mutS homolog 6; plus strand). Cytogenetic location: 2p16.3.
Variant type: single nucleotide variant.
Coding change: c.2082C>T on transcript NM_000179.3 (MANE Select); coding-DNA position 2082, C replaced by T.
Protein change: p.Cys694=; no amino-acid change (cysteine 694 retained).
Molecular consequence: synonymous variant.
Genome position (GRCh38, 1-based): chr2:47,800,065, C>T. VCF-style: chr2-47800065-C-T. GRCh37 (hg19) VCF-style: chr2-48027204-C-T.
Other names: c.1692C>T, p.Cys564= (NM_001281492.2); c.1176C>T, p.Cys392= (NM_001281493.2, NM_001281494.2).
Identifiers: ClinVar variation 748510 (VCV000748510.14), dbSNP rs1114167791, ClinGen allele CA426121417.

ClinVar aggregate classification (germline): Benign/Likely benign. Review status: criteria provided, multiple submitters, no conflicts (2 of 4 stars). 3 submissions from 3 submitters: Benign (1); Likely benign (2). Last evaluated 2024-12-30.

Conditions:
Lynch syndrome 5 (LYNCH5). Also called: Hereditary non-polyposis colorectal cancer, type 5; Colorectal cancer, hereditary nonpolyposis, type 5. Identifiers: Orphanet 144, MedGen C1833477, MONDO:0013710, OMIM 614350. Disease mechanism: loss of function.
Hereditary cancer-predisposing syndrome. Also called: Tumor predisposition; Hereditary neoplastic syndrome; Neoplastic Syndromes, Hereditary; Hereditary Cancer Syndrome. Identifiers: Orphanet 140162, MedGen C0027672, MeSH D009386, MONDO:0015356.
Hereditary nonpolyposis colorectal neoplasms. Identifiers: MedGen C0009405, MeSH D003123.

Submissions (3):

Myriad Genetics, Inc.
Classification: Benign for Lynch syndrome 5. Last evaluated: 2024-12-30. Review status: criteria provided, single submitter. Criteria: Myriad Autosomal Dominant, Autosomal Recessive and X-Linked Classification Criteria (2023). Collection method: clinical testing. Allele origin: unknown.
Comment: This variant is considered benign. This variant is a silent/synonymous amino acid change and it is not expected to impact splicing.

Ambry Genetics
Classification: Likely benign for Hereditary cancer-predisposing syndrome. Last evaluated: 2023-04-28. Review status: criteria provided, single submitter. Criteria: Ambry Variant Classification Scheme 2023. Collection method: clinical testing. Allele origin: germline.

Labcorp Genetics (formerly Invitae), Labcorp
Classification: Likely benign for Hereditary nonpolyposis colorectal neoplasms. Last evaluated: 2021-09-30. Review status: criteria provided, single submitter. Criteria: Invitae Variant Classification Sherloc (09022015). Collection method: clinical testing. Allele origin: germline.